The following is an entry in ClinVar:

ClinVar aggregate classification (germline): Likely benign. Review status: criteria provided, single submitter (1 of 4 stars). 2 submissions from 2 submitters: Likely benign (1). 1 of the submissions does not count toward it. Last evaluated 2025-10-06.

Conditions:
LAMA5-related disorder. Also called: LAMA5-Related Disorders; LAMA5-related condition.

Allele frequency attached by ClinVar (database versions not stated): gnomAD exomes 0.00005 and 0.00015; 1000 Genomes Project 0.00020; ExAC 0.00025; 1000 Genomes Project 30x 0.00031; gnomAD 0.00044 and 0.00047; TOPMed 0.00060; ESP Exome Variant Server 0.00062.
gnomAD v4.1: 139 of 1,569,572 alleles (0.0089%); highest among the groups gnomAD compares: African/African-American, 0.17%; no homozygotes.

Submissions (2):

Labcorp Genetics (formerly Invitae), Labcorp
Classification: Likely benign. Last evaluated: 2025-10-06. Review status: criteria provided, single submitter. Criteria: Invitae Variant Classification Sherloc (09022015). Collection method: clinical testing. Allele origin: germline.

PreventionGenetics, part of Exact Sciences
Classification: Likely benign for LAMA5-related condition. Last evaluated: 2019-08-01. Review status: no assertion criteria provided. Collection method: clinical testing. Allele origin: germline. Not counted in ClinVar's aggregate classification.
Comment: This variant is classified as likely benign based on ACMG/AMP sequence variant interpretation guidelines (Richards et al. 2015 PMID: 25741868, with internal and published modifications).

NM_005560.6(LAMA5):c.7575C>T (p.Tyr2525=)

Gene: LAMA5 (laminin subunit alpha 5; minus strand). Cytogenetic location: 20q13.33.
Variant type: single nucleotide variant.
Coding change: c.7575C>T on transcript NM_005560.6 (MANE Select); coding-DNA position 7575, C replaced by T.
Protein change: p.Tyr2525=; no amino-acid change (tyrosine 2525 retained).
Molecular consequence: synonymous variant.
Genome position (GRCh38, 1-based): chr20:62,316,960, G>A on the plus strand (C>T on the coding strand, the complement: LAMA5 is on the minus strand). VCF-style: chr20-62316960-G-A. GRCh37 (hg19) VCF-style: chr20-60892016-G-A.
Identifiers: ClinVar variation 753246 (VCV000753246.8), dbSNP rs150372885, ClinGen allele CA9941159.